The following is an entry in ClinVar:

ClinVar aggregate classification (germline): Likely pathogenic (1 of 4 stars; one submission).

Conditions:
Sotos syndrome (SOTOS). Also called: CHROMOSOME 5q35 DELETION SYNDROME; SOTOS SYNDROME 1; CEREBRAL GIGANTISM; Sotos' syndrome; Distinctive facial appearance, overgrowth in childhood, and learning disabilities or delayed development. Identifiers: Orphanet 821, MedGen C0175695, MONDO:0019349, OMIM 117550.

Submission:

Juno Genomics, Hangzhou Juno Genomics, Inc
Classification: Likely pathogenic for Sotos syndrome. Review status: criteria provided, single submitter. Criteria: ACMG Guidelines, 2015. Collection method: clinical testing. Allele origin: germline. Affected: yes.
Comment: Absent from controls (or at extremely low frequency if recessive) in Genome Aggregation Database, Exome Sequencing Project, 1000 Genomes Project, or Exome Aggregation Consortium.;Multiple lines of computational evidence support a deleterious effect on the gene or gene product (conservation, evolutionary, splicing impact, etc).;Missense variant in a gene that has a low rate of benign missense variation and where missense variants are a common mechanism of disease.;De novo (both maternity and paternity confirmed) in a patient with the disease and no family history.

NM_022455.5(NSD1):c.5713T>G (p.Cys1905Gly)

Gene: NSD1 (nuclear receptor binding SET domain protein 1; plus strand). Cytogenetic location: 5q35.3.
Variant type: single nucleotide variant.
Coding change: c.5713T>G on transcript NM_022455.5 (MANE Select); coding-DNA position 5713, T replaced by G.
Protein change: p.Cys1905Gly; replaces cysteine 1905 with glycine.
Molecular consequence: missense variant.
Genome position (GRCh38, 1-based): chr5:177,280,655, T>G. VCF-style: chr5-177280655-T-G. GRCh37 (hg19) VCF-style: chr5-176707656-T-G.
Other names: c.4840T>G, p.Cys1614Gly (NM_001365684.2, NM_001409308.1, NM_001409309.1 and 1 more transcripts); c.5713T>G, p.Cys1905Gly (NM_001409301.1, NM_001409302.1, NM_001409303.1); c.5293T>G, p.Cys1765Gly (NM_001409304.1); c.4960T>G, p.Cys1654Gly (NM_001409305.1); c.4951T>G, p.Cys1651Gly (NM_001409306.1, NM_001409307.1); short protein forms C1614G, C1651G, C1654G, C1765G, C1905G.
Identifiers: ClinVar variation 3382676 (VCV003382676.2).